The following is an entry in ClinVar:

ClinVar aggregate classification (germline): Likely pathogenic (1 of 4 stars; one submission).

Conditions:
Polycystic kidney disease 2 (PKD2). Also called: Polycystic Kidney Disease 2, Autosomal Dominant; POLYCYSTIC KIDNEY DISEASE, ADULT, TYPE II; POLYCYSTIC KIDNEY DISEASE 2 WITH OR WITHOUT POLYCYSTIC LIVER DISEASE. Identifiers: MedGen C2751306, MONDO:0013131, OMIM 613095.

Submission:

3billion
Classification: Likely pathogenic for Polycystic kidney disease 2. Last evaluated: 2023-02-23. Review status: criteria provided, single submitter. Criteria: ACMG Guidelines, 2015. Collection method: clinical testing. Allele origin: unknown. Affected: yes.
Comment: The variant is not observed in the gnomAD v2.1.1 dataset. This variant was predicted to result in a loss or disruption of normal protein function through nonsense-mediated decay (NMD) or protein truncation. Multiple pathogenic variants are reported downstream of the variant. Therefore, this variant is classified as Likely pathogenic according to the recommendation of ACMG/AMP guideline.

NM_000297.4(PKD2):c.1026del (p.Glu343fs)

Gene: PKD2 (polycystin 2, transient receptor potential cation channel; plus strand). Cytogenetic location: 4q22.1.
Variant type: Deletion.
Coding change: c.1026del on transcript NM_000297.4 (MANE Select); coding-DNA position 1026, one base deleted (A; older notation c.1026delA).
Protein change: p.Glu343fs; shifts the reading frame from glutamic acid 343.
Molecular consequence: frameshift variant. On other transcripts: non-coding transcript variant (1).
Genome position (GRCh38, 1-based): chr4:88,038,433, A deleted; the last of 3 consecutive A bases (chr4:88,038,431-88,038,433); deleting any one gives the same sequence. VCF-style (leftmost placement, unchanged base first): chr4-88038430-TA-T. GRCh37 (hg19) VCF-style: chr4-88959582-TA-T.
Other names: short protein forms E343fs.
Identifiers: ClinVar variation 2444048 (VCV002444048.1), dbSNP rs2475901733, ClinGen allele CA2580071861.